The following is an entry in ClinVar:

ClinVar aggregate classification (germline): Pathogenic. Review status: criteria provided, multiple submitters, no conflicts (2 of 4 stars). 5 submissions from 5 submitters: Pathogenic (4). 1 of the submissions does not count toward it. Last evaluated 2025-10-26.

Conditions:
Hereditary cancer-predisposing syndrome. Also called: Tumor predisposition; Neoplastic Syndromes, Hereditary; Hereditary neoplastic syndrome; Hereditary Cancer Syndrome. Identifiers: Orphanet 140162, MedGen C0027672, MeSH D009386, MONDO:0015356.
Tuberous sclerosis syndrome (TSC). Also called: Tuberous Sclerosis Complex; Tuberous sclerosis. Identifiers: Orphanet 805, MedGen C0041341, MONDO:0001734.
Tuberous sclerosis 1 (TSC1). Identifiers: Orphanet 805, MedGen C1854465, MONDO:0008612, OMIM 191100.

Submissions (5):

Clinical Genomics Laboratory, Washington University in St. Louis
Classification: Pathogenic for Tuberous sclerosis 1. Last evaluated: 2025-10-26. Review status: criteria provided, single submitter. Criteria: Leon-Quintero et al. (Clin Genet. 2025). Collection method: clinical testing. Allele origin: somatic. Affected: yes.
Comment: A TSC1 c.2689C>T (p.Gln897*) variant was identified at an allelic fraction consistent with somatic origin. This variant has been identified both in a germline and in a somatic state in individuals with tuberous sclerosis (Yamamoto T et al., PMID: 12015165; Tyburczy ME et al., PMID: 26540169). It is absent from the general population (gnomAD v4.1.0), indicating it is not a common variant. This single nucleotide variant leads to a premature termination codon, which is predicted to lead to nonsense mediated decay. Based on available information and an internally developed protocol informed by the ACMG/AMP guidelines for variant classification and gene-specific practices from the ClinGen Criteria Specification Registry (Leon-Quintero FZ et al., PMID: 39434542), the TSC1 c.2689C>T (p.Gln897*) variant is classified as pathogenic.

Genome-Nilou Lab
Classification: Pathogenic for Tuberous sclerosis 1. Last evaluated: 2021-11-07. Review status: criteria provided, single submitter. Criteria: ACMG Guidelines, 2015. Collection method: clinical testing. Allele origin: germline. Affected: no.

GeneDx
Classification: Pathogenic. Last evaluated: 2015-12-09. Review status: criteria provided, single submitter. Criteria: GeneDx Variant Classification (06012015). Collection method: clinical testing. Allele origin: germline. Affected: yes.
Comment: The Q897X nonsense variant in the TSC1 gene has been reported previously in association with tuberous sclerosis complex (Yamamoto et al., 2002; TSC1 LOVD). The Q897X variant was not observed in approximately 6,500 individuals of European and African American ancestry in the NHLBI Exome Sequencing Project, indicating it is not a common benign variant in these populations. This pathogenic variant is predicted to cause loss of normal protein function either through protein truncation or nonsense-mediated mRNA decay.

Ambry Genetics
Classification: Pathogenic for Hereditary cancer-predisposing syndrome. Last evaluated: 2015-05-19. Review status: criteria provided, single submitter. Criteria: Ambry Autosomal Dominant and X-Linked criteria (10/2015). Collection method: clinical testing. Allele origin: germline. Observed: 1 variant allele.
Comment: Other acmg-defined mutation (i.e. initiation codon or gross deletion)

Tuberous sclerosis database (TSC1)
No classification provided. Condition: TSC. Review status: no classification provided. Criteria: Tuberous Sclerosis Database Assertion Criteria 2015. Collection method: curation. Allele origin: germline. Affected: yes. Not counted in ClinVar's aggregate classification.

NM_000368.5(TSC1):c.2689C>T (p.Gln897Ter)

Gene: TSC1 (TSC complex subunit 1; minus strand). Cytogenetic location: 9q34.13.
Variant type: single nucleotide variant.
Coding change: c.2689C>T on transcript NM_000368.5 (MANE Select); coding-DNA position 2689, C replaced by T.
Protein change: p.Gln897Ter; replaces glutamine 897 with a stop codon.
Molecular consequence: nonsense.
Genome position (GRCh38, 1-based): chr9:132,897,547, G>A on the plus strand (C>T on the coding strand, the complement: TSC1 is on the minus strand). VCF-style: chr9-132897547-G-A. GRCh37 (hg19) VCF-style: chr9-135772934-G-A.
Other names: c.2686C>T, p.Gln896Ter (NM_001162426.2); c.2536C>T, p.Gln846Ter (NM_001162427.2); c.2326C>T, p.Gln776Ter (NM_001362177.2); short protein forms Q897*, Q776*, Q846*, Q896*.
Identifiers: ClinVar variation 48991 (VCV000048991.7), dbSNP rs118203727, ClinGen allele CA006867.